The following is an entry in ClinVar:

NM_004304.5(ALK):c.4164+45C>A

Gene: ALK (ALK receptor tyrosine kinase; minus strand). Cytogenetic location: 2p23.2.
Variant type: single nucleotide variant.
Coding change: c.4164+45C>A on transcript NM_004304.5 (MANE Select); 45 bases into the intron after coding-DNA position 4164, C replaced by A.
Molecular consequence: intron variant.
Genome position (GRCh38, 1-based): chr2:29,196,725, G>T on the plus strand (C>A on the coding strand, the complement: ALK is on the minus strand). VCF-style: chr2-29196725-G-T. GRCh37 (hg19) VCF-style: chr2-29419591-G-T.
Other names: c.960+45C>A (NM_001353765.2).
Identifiers: ClinVar variation 676841 (VCV000676841.2), dbSNP rs1670284, ClinGen allele CA1593648.
Genomic context (GRCh38, chr2:29,196,725, plus strand): 5'-ATCTTGTACTCTGACTGGCTTGACCTATTTCATATTTCGGTATTTGCCATCTTTAAGACT[G>T]TTTCATATAGAGTAAATGTTGACCAAAGGGAGAAAATGTTTTACCTGGGTGCAGTATTCA-3'

ClinVar aggregate classification (germline): Benign. Review status: criteria provided, multiple submitters, no conflicts (2 of 4 stars). 2 submissions from 2 submitters: Benign (2). Last evaluated 2018-06-15.

Allele frequency attached by ClinVar (database versions not stated): 1000 Genomes Project 30x 0.41755; 1000 Genomes Project 0.42073; TOPMed 0.49486; gnomAD 0.50947 and 0.51066; gnomAD exomes 0.51986 and 0.59703; ExAC 0.52792; ESP Exome Variant Server 0.54698.
gnomAD v4.1: 837,829 of 1,426,078 alleles (59%); highest among the groups gnomAD compares: Middle Eastern, 66%; 254,510 homozygotes.

Submissions (2):

GeneDx
Classification: Benign. Last evaluated: 2018-06-15. Review status: criteria provided, single submitter. Criteria: GeneDx Variant Classification (06012015). Collection method: clinical testing. Allele origin: germline. Affected: yes.
Comment: This variant is considered likely benign or benign based on one or more of the following criteria: it is a conservative change, it occurs at a poorly conserved position in the protein, it is predicted to be benign by multiple in silico algorithms, and/or has population frequency not consistent with disease.

Breakthrough Genomics
Classification: Benign. Review status: criteria provided, single submitter. Criteria: ACMG Guidelines, 2015. Collection method: not provided. Allele origin: germline. Inheritance: Unknown mechanism. Affected: yes.